The following is an entry in ClinVar:

NM_005334.3(HCFC1):c.2352G>A (p.Thr784=)

Gene: HCFC1 (host cell factor C1; minus strand). Cytogenetic location: Xq28.
Variant type: single nucleotide variant.
Coding change: c.2352G>A on transcript NM_005334.3 (MANE Select); coding-DNA position 2352, G replaced by A.
Protein change: p.Thr784=; no amino-acid change (threonine 784 retained).
Molecular consequence: synonymous variant.
Genome position (GRCh38, 1-based): chrX:153,957,315, C>T on the plus strand (G>A on the coding strand, the complement: HCFC1 is on the minus strand). VCF-style: chrX-153957315-C-T. GRCh37 (hg19) VCF-style: chrX-153222766-C-T.
Identifiers: ClinVar variation 507750 (VCV000507750.4), dbSNP rs782058954, ClinGen allele CA10557354.
Genomic context (GRCh38, chrX:153,957,315, plus strand): 5'-ACTCCATTTCCCCTCCAGTGAGGACTTGCAGACACTCATATGTCGGGGGAGGCCCCTACC[C>T]GTGGCGCCCGCCTGGGTGATGATGGCCGACATGGGGATGGTTTTGATGATGGTGGTCGTG-3'
Protein context (NP_005325.2, residues 774-794): MSAIITQAGA[Thr784=]GVTSSPGIKS

ClinVar aggregate classification (germline): Benign/Likely benign. Review status: criteria provided, multiple submitters, no conflicts (2 of 4 stars). 2 submissions from 2 submitters: Benign (1); Likely benign (1). Last evaluated 2026-01-20.

Conditions:
Methylmalonic acidemia with homocystinuria, type cblX (MAHCX). Also called: INTELLECTUAL DEVELOPMENTAL DISORDER, X-LINKED 3. Identifiers: Orphanet 369962, MedGen C0796208, MONDO:0010657, OMIM 309541.

Allele frequency attached by ClinVar (database versions not stated): TOPMed 0.00005; gnomAD 0.00007 and 0.00010; gnomAD exomes 0.00018 and 0.00036; 1000 Genomes Project 30x 0.00021; 1000 Genomes Project 0.00026; ExAC 0.00033.
gnomAD v4.1: 210 of 1,189,331 alleles (0.018%); highest among the groups gnomAD compares: South Asian, 0.33%; no homozygotes.

Submissions (2):

Labcorp Genetics (formerly Invitae), Labcorp
Classification: Benign for Methylmalonic acidemia with homocystinuria, type cblX. Last evaluated: 2026-01-20. Review status: criteria provided, single submitter. Criteria: Invitae Variant Classification Sherloc (09022015). Collection method: clinical testing. Allele origin: germline.

GeneDx
Classification: Likely benign. Last evaluated: 2017-03-06. Review status: criteria provided, single submitter. Criteria: GeneDx Variant Classification (06012015). Collection method: clinical testing. Allele origin: germline. Affected: yes.
Comment: This variant is considered likely benign or benign based on one or more of the following criteria: it is a conservative change, it occurs at a poorly conserved position in the protein, it is predicted to be benign by multiple in silico algorithms, and/or has population frequency not consistent with disease.